The following is an entry in ClinVar:

NM_138694.4(PKHD1):c.2281del (p.Ser761fs)

Gene: PKHD1 (PKHD1 ciliary IPT domain containing fibrocystin/polyductin; minus strand). Cytogenetic location: 6p12.2.
Variant type: Deletion.
Coding change: c.2281del on transcript NM_138694.4 (MANE Select); coding-DNA position 2281, one base deleted (T; older notation c.2281delT).
Protein change: p.Ser761fs; shifts the reading frame from serine 761.
Molecular consequence: frameshift variant.
Genome position (GRCh38, 1-based): chr6:52,048,618, A deleted on the plus strand (T on the coding strand, the reverse complement: PKHD1 is on the minus strand). VCF-style (leftmost placement, unchanged base first): chr6-52048617-GA-G. GRCh37 (hg19) VCF-style: chr6-51913415-GA-G.
Other names: c.2281del, p.Ser761fs (NM_170724.3); short protein forms S761fs.
Identifiers: ClinVar variation 4816601 (VCV004816601.1).
Genomic context (GRCh38, chr6:52,048,617, plus strand): 5'-CGTCTCTGTGTCGTCACCAGGACCAGTCCAGATCCCTCTTCTGTTCCTTCAGTGGGCACA[GA>G]GCTGTGGCACGTCAGAAACAAAGTATTAACGTCTGGGTTGGGGTGTGCACCTAGGAGGAC-3'

ClinVar aggregate classification (germline): Likely pathogenic (1 of 4 stars; one submission).

Conditions:
Autosomal recessive polycystic kidney disease (ARPKD). Also called: AR polycystic kidney disease. Identifiers: Orphanet 731, Orphanet 8378, MedGen C0085548, MeSH D017044, MONDO:0009889.

Submission:

Natera, Inc.
Classification: Likely pathogenic for Autosomal recessive polycystic kidney disease. Last evaluated: 2024-04-16. Review status: criteria provided, single submitter. Criteria: Natera Variant Classification Schema (03/2026). Collection method: clinical testing. Allele origin: germline.
Comment: The c.2281delT variant in PKHD1 is a frameshift variant predicted to shift the reading frame beginning at codon 761 and leads to a stop codon 16 codons downstream. This variant is expected to result in nonsense mediated decay, truncation, or a dysfunctional protein product. This variant is rare in the general population with a frequency below the threshold expected for the associated phenotype(s). Given the available evidence, this variant is classified as Likely Pathogenic.